The following is an entry in ClinVar:

NM_005186.4(CAPN1):c.143G>A (p.Arg48Gln)

Gene: CAPN1 (calpain 1; plus strand). Cytogenetic location: 11q13.1.
Variant type: single nucleotide variant.
Coding change: c.143G>A on transcript NM_005186.4 (MANE Select); coding-DNA position 143, G replaced by A.
Protein change: p.Arg48Gln; replaces arginine 48 with glutamine.
Molecular consequence: missense variant. On other transcripts: non-coding transcript variant (1).
Genome position (GRCh38, 1-based): chr11:65,182,844, G>A. VCF-style: chr11-65182844-G-A. GRCh37 (hg19) VCF-style: chr11-64950315-G-A.
Other names: c.143G>A, p.Arg48Gln (NM_001198868.2, NM_001198869.2); c.52G>A, p.Asp18Asn (NM_001198870.1); short protein forms D18N, R48Q.
Identifiers: ClinVar variation 2048412 (VCV002048412.4), dbSNP rs748403811, ClinGen allele CA6092959.

ClinVar aggregate classification (germline): Uncertain significance. Review status: criteria provided, multiple submitters, no conflicts (2 of 4 stars). 2 submissions from 2 submitters: Uncertain significance (2). Last evaluated 2022-05-31.

Conditions:
Inborn genetic diseases. Identifiers: MedGen C0950123, MeSH D030342.

Allele frequency attached by ClinVar (database versions not stated): gnomAD exomes 0.00001; gnomAD 0.00003; TOPMed 0.00004.

Submissions (2):

Ambry Genetics
Classification: Uncertain significance for Inborn genetic diseases. Last evaluated: 2022-05-31. Review status: criteria provided, single submitter. Criteria: Ambry Variant Classification Scheme 2023. Collection method: clinical testing. Allele origin: germline.

Labcorp Genetics (formerly Invitae), Labcorp
Classification: Uncertain significance. Last evaluated: 2022-01-26. Review status: criteria provided, single submitter. Criteria: Invitae Variant Classification Sherloc (09022015). Collection method: clinical testing. Allele origin: germline.
Comment: This sequence change replaces arginine, which is basic and polar, with glutamine, which is neutral and polar, at codon 48 of the CAPN1 protein (p.Arg48Gln). The frequency data for this variant in the population databases is considered unreliable, as metrics indicate poor data quality at this position in the gnomAD database. This variant has not been reported in the literature in individuals affected with CAPN1-related conditions. Algorithms developed to predict the effect of missense changes on protein structure and function output the following: SIFT: "Tolerated"; PolyPhen-2: "Benign"; Align-GVGD: "Class C0". The glutamine amino acid residue is found in multiple mammalian species, which suggests that this missense change does not adversely affect protein function. In summary, the available evidence is currently insufficient to determine the role of this variant in disease. Therefore, it has been classified as a Variant of Uncertain Significance.